The following is an entry in ClinVar:

NM_001378454.1(ALMS1):c.3911G>A (p.Ser1304Asn)

Gene: ALMS1 (ALMS1 centrosome and basal body associated protein; plus strand). Cytogenetic location: 2p13.1.
Variant type: single nucleotide variant.
Coding change: c.3911G>A on transcript NM_001378454.1 (MANE Select); coding-DNA position 3911, G replaced by A.
Protein change: p.Ser1304Asn; replaces serine 1304 with asparagine.
Molecular consequence: missense variant.
Genome position (GRCh38, 1-based): chr2:73,450,438, G>A. VCF-style: chr2-73450438-G-A. GRCh37 (hg19) VCF-style: chr2-73677565-G-A.
Other names: c.3914G>A, p.Ser1305Asn (NM_015120.4); short protein forms S1304N, S1305N.
Identifiers: ClinVar variation 2430879 (VCV002430879.2), dbSNP rs1188032734, ClinGen allele CA347277059.

ClinVar aggregate classification (germline): Uncertain significance. Review status: criteria provided, multiple submitters, no conflicts (2 of 4 stars). 2 submissions from 2 submitters: Uncertain significance (2). Last evaluated 2025-03-26.

Conditions:
Alstrom syndrome (ALMS). Identifiers: Orphanet 64, MedGen C0268425, MONDO:0008763, OMIM 203800.

Allele frequency attached by ClinVar (database versions not stated): gnomAD exomes below 0.00001.
gnomAD v4.1: 2 of 1,613,632 alleles (0.00012%); highest among the groups gnomAD compares: Admixed American, 0.0017%; no homozygotes.

Submissions (2):

Labcorp Genetics (formerly Invitae), Labcorp
Classification: Uncertain significance for Alstrom syndrome. Last evaluated: 2025-03-26. Review status: criteria provided, single submitter. Criteria: Invitae Variant Classification Sherloc (09022015). Collection method: clinical testing. Allele origin: germline.
Comment: This sequence change replaces serine, which is neutral and polar, with asparagine, which is neutral and polar, at codon 1305 of the ALMS1 protein (p.Ser1305Asn). This variant is present in population databases (no rsID available, gnomAD 0.003%). This variant has not been reported in the literature in individuals affected with ALMS1-related conditions. ClinVar contains an entry for this variant (Variation ID: 2430879). Experimental studies and prediction algorithms are not available or were not evaluated, and the functional significance of this variant is currently unknown. In summary, the available evidence is currently insufficient to determine the role of this variant in disease. Therefore, it has been classified as a Variant of Uncertain Significance.

GeneDx
Classification: Uncertain significance. Last evaluated: 2022-08-19. Review status: criteria provided, single submitter. Criteria: GeneDx Variant Classification Process June 2021. Collection method: clinical testing. Allele origin: germline. Affected: yes.
Comment: Not observed at significant frequency in large population cohorts (gnomAD); In silico analysis supports that this missense variant does not alter protein structure/function; Has not been previously published as pathogenic or benign to our knowledge